The following is an entry in ClinVar:

ClinVar aggregate classification (germline): Uncertain significance. Review status: criteria provided, multiple submitters, no conflicts (2 of 4 stars). 3 submissions from 3 submitters: Uncertain significance (3). Last evaluated 2024-03-24.

Conditions:
Wilson disease (WND). Also called: Wilson's disease. Identifiers: Orphanet 905, MedGen C0019202, MONDO:0010200, OMIM 277900. Disease mechanism: loss of function.

Allele frequency attached by ClinVar (database versions not stated): TOPMed below 0.00001.

Submissions (3):

All of Us Research Program, National Institutes of Health
Classification: Uncertain significance for Wilson disease. Last evaluated: 2024-03-24. Review status: criteria provided, single submitter. Criteria: ACMG Guidelines, 2015. Collection method: clinical testing. Allele origin: germline. Inheritance: Autosomal recessive inheritance. Observed: 1 variant allele, 1 heterozygote.
Comment: This missense variant replaces isoleucine with phenylalanine at codon 688 of the ATP7B protein. Computational prediction suggests that this variant may not impact protein structure and function (internally defined REVEL score threshold <= 0.5, PMID: 27666373). To our knowledge, functional studies have not been reported for this variant. This variant has not been reported in individuals affected with ATP7B-related disorders in the literature. This variant has not been identified in the general population by the Genome Aggregation Database (gnomAD). The available evidence is insufficient to determine the role of this variant in disease conclusively. Therefore, this variant is classified as a Variant of Uncertain Significance.

This study involves interpretation of variants in research participants for the purpose of population health screening. Participant phenotype was not available at the time of variant classification. Additional details can be found in publication PMID: 35346344, PMCID: PMC8962531

Color Diagnostics, LLC DBA Color Health
Classification: Uncertain significance for Wilson disease. Last evaluated: 2024-02-14. Review status: criteria provided, single submitter. Criteria: ACMG Guidelines, 2015. Collection method: clinical testing. Allele origin: germline.
Comment: This missense variant replaces isoleucine with phenylalanine at codon 688 of the ATP7B protein. Computational prediction suggests that this variant may not impact protein structure and function. To our knowledge, functional studies have not been reported for this variant. This variant has not been reported in individuals affected with ATP7B-related disorders in the literature. This variant has not been identified in the general population by the Genome Aggregation Database (gnomAD). The available evidence is insufficient to determine the role of this variant in disease conclusively. Therefore, this variant is classified as a Variant of Uncertain Significance.

Mayo Clinic Laboratories, Mayo Clinic
Classification: Uncertain significance. Last evaluated: 2019-07-23. Review status: criteria provided, single submitter. Criteria: ACMG Guidelines, 2015. Collection method: clinical testing. Allele origin: germline. Observed: 1 variant allele.

NM_000053.4(ATP7B):c.2062A>T (p.Ile688Phe)

Gene: ATP7B (ATPase copper transporting beta; minus strand). Cytogenetic location: 13q14.3.
Variant type: single nucleotide variant.
Coding change: c.2062A>T on transcript NM_000053.4 (MANE Select); coding-DNA position 2062, A replaced by T.
Protein change: p.Ile688Phe; replaces isoleucine 688 with phenylalanine.
Molecular consequence: missense variant. On other transcripts: intron variant (2).
Genome position (GRCh38, 1-based): chr13:51,960,207, T>A on the plus strand (A>T on the coding strand, the complement: ATP7B is on the minus strand). VCF-style: chr13-51960207-T-A. GRCh37 (hg19) VCF-style: chr13-52534343-T-A.
Other names: c.1729A>T, p.Ile577Phe (NM_001243182.2); c.2062A>T, p.Ile688Phe (NM_001330578.2); c.1870-2600A>T (NM_001005918.3); c.1870-1663A>T (NM_001330579.2); short protein forms I577F, I688F.
Identifiers: ClinVar variation 1163359 (VCV001163359.7), dbSNP rs1958637494, ClinGen allele CA388024863.